The following is an entry in ClinVar:

ClinVar aggregate classification (germline): Uncertain significance (1 of 4 stars; one submission).

Conditions:
Cardiovascular phenotype. Identifiers: MedGen CN230736.

Allele frequency attached by ClinVar (database versions not stated): ExAC 0.00002; gnomAD exomes 0.00002; gnomAD 0.00003; TOPMed 0.00004.
gnomAD v4.1: 30 of 1,613,638 alleles (0.0019%); highest among the groups gnomAD compares: African/African-American, 0.013%; 1 homozygote.

Submission:

Ambry Genetics
Classification: Uncertain significance for Cardiovascular phenotype. Last evaluated: 2024-08-23. Review status: criteria provided, single submitter. Criteria: Ambry Variant Classification Scheme 2023. Collection method: clinical testing. Allele origin: germline.
Comment: The p.A1806T variant (also known as c.5416G>A), located in coding exon 34 of the MYH6 gene, results from a G to A substitution at nucleotide position 5416. The alanine at codon 1806 is replaced by threonine, an amino acid with similar properties. This amino acid position is highly conserved in available vertebrate species. In addition, the in silico prediction for this alteration is inconclusive. Since supporting evidence is limited at this time, the clinical significance of this alteration remains unclear.

NM_002471.4(MYH6):c.5416G>A (p.Ala1806Thr)

Gene: MYH6 (myosin heavy chain 6; minus strand). Cytogenetic location: 14q11.2.
Variant type: single nucleotide variant.
Coding change: c.5416G>A on transcript NM_002471.4 (MANE Select); coding-DNA position 5416, G replaced by A.
Protein change: p.Ala1806Thr; replaces alanine 1806 with threonine.
Molecular consequence: missense variant.
Genome position (GRCh38, 1-based): chr14:23,384,591, C>T on the plus strand (G>A on the coding strand, the complement: MYH6 is on the minus strand). VCF-style: chr14-23384591-C-T. GRCh37 (hg19) VCF-style: chr14-23853800-C-T.
Other names: short protein forms A1806T.
Identifiers: ClinVar variation 1747393 (VCV001747393.3), dbSNP rs772439467, ClinGen allele CA7114435.
Genomic context (GRCh38, chr14:23,384,591, plus strand): 5'-CCTCCAGCTCCCGCACCCGCGCTTCCAGCTTCTGCAGCTGCTTCTTGCCTCCCTTGAGGG[C>T]GATCTGCTCGGCCTCGTCCAGCCGGTGCTGCAGGTCCTTAATGGTCTGCTCCATGTTCTT-3'
Protein context (NP_002462.2, residues 1796-1816): QHRLDEAEQI[Ala1806Thr]LKGGKKQLQK